The following is an entry in ClinVar:

NM_006306.4(SMC1A):c.586C>T (p.Arg196Cys)

Gene: SMC1A (structural maintenance of chromosomes 1A; minus strand). Cytogenetic location: Xp11.22.
Variant type: single nucleotide variant.
Coding change: c.586C>T on transcript NM_006306.4 (MANE Select); coding-DNA position 586, C replaced by T.
Protein change: p.Arg196Cys; replaces arginine 196 with cysteine.
Molecular consequence: missense variant.
Genome position (GRCh38, 1-based): chrX:53,413,261, G>A on the plus strand (C>T on the coding strand, the complement: SMC1A is on the minus strand). VCF-style: chrX-53413261-G-A. GRCh37 (hg19) VCF-style: chrX-53440211-G-A.
Other names: c.520C>T, p.Arg174Cys (NM_001281463.1); short protein forms R196C, R174C.
Identifiers: ClinVar variation 159961 (VCV000159961.14), dbSNP rs587784422, ClinGen allele CA272592.

ClinVar aggregate classification (germline): Conflicting classifications of pathogenicity. Review status: criteria provided, conflicting classifications (1 of 4 stars). 6 submissions from 6 submitters: Pathogenic (2); Likely pathogenic (2); Uncertain significance (1). 1 of the submissions does not count toward it. Last evaluated 2026-01-27.

Conditions:
SMC1A-related disorder. Also called: SMC1A-related condition.
Developmental and epileptic encephalopathy, 85, with or without midline brain defects. Also called: EPILEPTIC ENCEPHALOPATHY, EARLY INFANTILE, 85, WITH OR WITHOUT MIDLINE BRAIN DEFECTS. Identifiers: MedGen C5393312, MONDO:0026771, OMIM 301044.
Congenital muscular hypertrophy-cerebral syndrome (CDLS2). Also called: SMC1A-Related Cornelia de Lange Syndrome; Cornelia de Lange syndrome 2. Identifiers: Orphanet 199, MedGen C1802395, MONDO:0010370, OMIM 300590.

Submissions (6):

GeneDx
Classification: Pathogenic. Last evaluated: 2026-01-27. Review status: criteria provided, single submitter. Criteria: GeneDx Variant Classification Process June 2021. Collection method: clinical testing. Allele origin: germline.
Comment: Reported in a patient who was referred to a clinical diagnostic laboratory and who harbored an additional variant in DMD, however specific clinical information was not provided (PMID: 27959697); Missense variants in this gene are a common cause of disease and they are underrepresented in the general population; In silico analysis supports that this missense variant has a deleterious effect on protein structure/function; Not observed at significant frequency in large population cohorts (gnomAD); This variant is associated with the following publications: (PMID: 17273969, 17221863, 30158690, 28924389, 27959697)

Fulgent Genetics
Classification: Likely pathogenic for Congenital muscular hypertrophy-cerebral syndrome; Developmental and epileptic encephalopathy, 85, with or without midline brain defects. Last evaluated: 2024-02-06. Review status: criteria provided, single submitter. Criteria: ACMG Guidelines, 2015. Collection method: clinical testing. Allele origin: germline.

Labcorp Genetics (formerly Invitae), Labcorp
Classification: Uncertain significance for Congenital muscular hypertrophy-cerebral syndrome. Last evaluated: 2022-10-26. Review status: criteria provided, single submitter. Criteria: Invitae Variant Classification Sherloc (09022015). Collection method: clinical testing. Allele origin: germline.
Comment: This sequence change replaces arginine, which is basic and polar, with cysteine, which is neutral and slightly polar, at codon 196 of the SMC1A protein (p.Arg196Cys). This variant is not present in population databases (gnomAD no frequency). This missense change has been observed in individual(s) with SMC1A-related conditions (PMID: 28924389). ClinVar contains an entry for this variant (Variation ID: 159961). Advanced modeling of protein sequence and biophysical properties (such as structural, functional, and spatial information, amino acid conservation, physicochemical variation, residue mobility, and thermodynamic stability) has been performed at Invitae for this missense variant, however the output from this modeling did not meet the statistical confidence thresholds required to predict the impact of this variant on SMC1A protein function. This variant disrupts the p.Arg196 amino acid residue in SMC1A. Other variant(s) that disrupt this residue have been determined to be pathogenic (PMID: 17221863, 17273969). This suggests that this residue is clinically significant, and that variants that disrupt this residue are likely to be disease-causing. In summary, the available evidence is currently insufficient to determine the role of this variant in disease. Therefore, it has been classified as a Variant of Uncertain Significance.

Blueprint Genetics
Classification: Likely pathogenic for SMC1A-related disorders. Last evaluated: 2022-04-04. Review status: criteria provided, single submitter. Criteria: ACMG Guidelines, 2015. Collection method: clinical testing. Allele origin: germline. Affected: yes. Observed: 1 variant allele.

Genetic Services Laboratory, University of Chicago
Classification: Pathogenic for Cornelia de Lange syndrome 2. Last evaluated: 2014-12-10. Review status: criteria provided, single submitter. Criteria: ACMG Guidelines, 2015. Collection method: clinical testing. Allele origin: germline. Affected: yes.

Baylor Genetics
Classification: Likely pathogenic for Congenital muscular hypertrophy-cerebral syndrome. Last evaluated: 2015-09-05. Review status: no assertion criteria provided. Collection method: clinical testing. Allele origin: de novo. Inheritance: X-linked inheritance. Affected: yes. Observed: 1 variant allele, 1 hemizygote. Not counted in ClinVar's aggregate classification.

Literature cited by the submitters: PubMed 28924389 (cited by Labcorp Genetics (formerly Invitae), Labcorp); PubMed 17221863 (cited by Labcorp Genetics (formerly Invitae), Labcorp); PubMed 17273969 (cited by Labcorp Genetics (formerly Invitae), Labcorp).